The following is an entry in ClinVar:

ClinVar aggregate classification (germline): Uncertain significance (1 of 4 stars; one submission).

Conditions:
Combined deficiency of sialidase AND beta galactosidase (GSL). Also called: CATHEPSIN A DEFICIENCY; GOLDBERG SYNDROME; NEURAMINIDASE DEFICIENCY WITH BETA-GALACTOSIDASE DEFICIENCY; NEURAMINIDASE/BETA-GALACTOSIDASE EXPRESSION; PPCA DEFICIENCY; PROTECTIVE PROTEIN/CATHEPSIN A DEFICIENCY. Identifiers: Orphanet 351, MedGen C0268233, MONDO:0009737, OMIM 256540.

Allele frequency attached by ClinVar (database versions not stated): gnomAD exomes below 0.00001.
gnomAD v4.1: 2 of 1,614,146 alleles (0.00012%); highest among the groups gnomAD compares: South Asian, 0.0022%; no homozygotes.

Submission:

Labcorp Genetics (formerly Invitae), Labcorp
Classification: Uncertain significance for Combined deficiency of sialidase AND beta galactosidase. Last evaluated: 2024-01-11. Review status: criteria provided, single submitter. Criteria: Invitae Variant Classification Sherloc (09022015). Collection method: clinical testing. Allele origin: germline.
Comment: This sequence change replaces tyrosine, which is neutral and polar, with histidine, which is basic and polar, at codon 197 of the CTSA protein (p.Tyr197His). This variant is present in population databases (no rsID available, gnomAD 0.003%). This variant has not been reported in the literature in individuals affected with CTSA-related conditions. An algorithm developed to predict the effect of missense changes on protein structure and function (PolyPhen-2) suggests that this variant is likely to be disruptive. In summary, the available evidence is currently insufficient to determine the role of this variant in disease. Therefore, it has been classified as a Variant of Uncertain Significance.

NM_000308.4(CTSA):c.535T>C (p.Tyr179His)

Gene: CTSA (cathepsin A; plus strand). Cytogenetic location: 20q13.12.
Variant type: single nucleotide variant.
Coding change: c.535T>C on transcript NM_000308.4 (MANE Select); coding-DNA position 535, T replaced by C.
Protein change: p.Tyr179His; replaces tyrosine 179 with histidine.
Molecular consequence: missense variant. On other transcripts: non-coding transcript variant (1).
Genome position (GRCh38, 1-based): chr20:45,892,815, T>C. VCF-style: chr20-45892815-T-C. GRCh37 (hg19) VCF-style: chr20-44521454-T-C.
Other names: c.535T>C, p.Tyr179His (NM_001127695.3); c.484T>C, p.Tyr162His (NM_001167594.3); short protein forms Y162H, Y179H.
Identifiers: ClinVar variation 2706902 (VCV002706902.3), dbSNP rs1454806961, ClinGen allele CA409249382.